The following is an entry in ClinVar:

NM_003105.6(SORL1):c.4106C>G (p.Ser1369Cys)

Gene: SORL1 (sortilin related receptor 1; plus strand). Cytogenetic location: 11q24.1.
Variant type: single nucleotide variant.
Coding change: c.4106C>G on transcript NM_003105.6 (MANE Select); coding-DNA position 4106, C replaced by G.
Protein change: p.Ser1369Cys; replaces serine 1369 with cysteine.
Molecular consequence: missense variant.
Genome position (GRCh38, 1-based): chr11:121,590,067, C>G. VCF-style: chr11-121590067-C-G. GRCh37 (hg19) VCF-style: chr11-121460776-C-G.
Other names: short protein forms S1369C.
Identifiers: ClinVar variation 2002806 (VCV002002806.4), dbSNP rs1363917207, ClinGen allele CA383031704.

ClinVar aggregate classification (germline): Uncertain significance (1 of 4 stars; one submission).

Submission:

Labcorp Genetics (formerly Invitae), Labcorp
Classification: Uncertain significance. Last evaluated: 2022-06-08. Review status: criteria provided, single submitter. Criteria: Invitae Variant Classification Sherloc (09022015). Collection method: clinical testing. Allele origin: germline.
Comment: In summary, the available evidence is currently insufficient to determine the role of this variant in disease. Therefore, it has been classified as a Variant of Uncertain Significance. Algorithms developed to predict the effect of missense changes on protein structure and function are either unavailable or do not agree on the potential impact of this missense change (SIFT: "Deleterious"; PolyPhen-2: "Probably Damaging"; Align-GVGD: "Class C0"). This variant has not been reported in the literature in individuals affected with SORL1-related conditions. This variant is not present in population databases (gnomAD no frequency). This sequence change replaces serine, which is neutral and polar, with cysteine, which is neutral and slightly polar, at codon 1369 of the SORL1 protein (p.Ser1369Cys).